The following is an entry in ClinVar:

NM_015164.4(PLEKHM2):c.1316C>G (p.Thr439Ser)

Gene: PLEKHM2 (pleckstrin homology and RUN domain containing M2; plus strand). Cytogenetic location: 1p36.21.
Variant type: single nucleotide variant.
Coding change: c.1316C>G on transcript NM_015164.4 (MANE Select); coding-DNA position 1316, C replaced by G.
Protein change: p.Thr439Ser; replaces threonine 439 with serine.
Molecular consequence: missense variant.
Genome position (GRCh38, 1-based): chr1:15,727,388, C>G. VCF-style: chr1-15727388-C-G. GRCh37 (hg19) VCF-style: chr1-16053883-C-G.
Other names: c.1256C>G, p.Thr419Ser (NM_001410755.1); short protein forms T419S, T439S.
Identifiers: ClinVar variation 3603981 (VCV003603981.2).

ClinVar aggregate classification (germline): Uncertain significance (1 of 4 stars; one submission).

gnomAD v4.1: 1 of 1,602,780 alleles (0.000062%); highest among the groups gnomAD compares: Non-Finnish European, 0.000085%; no homozygotes.

Submission:

Labcorp Genetics (formerly Invitae), Labcorp
Classification: Uncertain significance. Last evaluated: 2024-04-24. Review status: criteria provided, single submitter. Criteria: Invitae Variant Classification Sherloc (09022015). Collection method: clinical testing. Allele origin: germline.
Comment: This sequence change replaces threonine, which is neutral and polar, with serine, which is neutral and polar, at codon 439 of the PLEKHM2 protein (p.Thr439Ser). This variant is not present in population databases (gnomAD no frequency). This variant has not been reported in the literature in individuals affected with PLEKHM2-related conditions. An algorithm developed to predict the effect of missense changes on protein structure and function (PolyPhen-2) suggests that this variant is likely to be tolerated. In summary, the available evidence is currently insufficient to determine the role of this variant in disease. Therefore, it has been classified as a Variant of Uncertain Significance.